The following is an entry in ClinVar:

NM_000123.4(ERCC5):c.2375C>T (p.Ala792Val)

Genes: BIVM-ERCC5 (BIVM-ERCC5 readthrough; plus strand), ERCC5 (ERCC excision repair 5, endonuclease; plus strand), LOC126861834 (BRD4-independent group 4 enhancer GRCh37_chr13:103518038-103519237; plus strand). Cytogenetic location: 13q33.1.
Variant type: single nucleotide variant.
Coding change: c.2375C>T on transcript NM_000123.4 (MANE Select); coding-DNA position 2375, C replaced by T.
Protein change: p.Ala792Val; replaces alanine 792 with valine.
Molecular consequence: missense variant.
Genome position (GRCh38, 1-based): chr13:102,866,687, C>T. VCF-style: chr13-102866687-C-T. GRCh37 (hg19) VCF-style: chr13-103519037-C-T.
Other names: c.3737C>T, p.Ala1246Val (NM_001204425.2); short protein forms A792V, A1246V.
Identifiers: ClinVar variation 16567 (VCV000016567.7), dbSNP rs121434571, ClinGen allele CA257528.
Genomic context (GRCh38, chr13:102,866,687, plus strand): 5'-TGCAGGAACTCCTGCGCCTGTTCGGCATTCCCTACATCCAGGCTCCCATGGAAGCAGAGG[C>T]GCAGTGCGCCATCCTGGACCTGACTGATCAGACTTCCGGAACCATCACTGATGACAGTGA-3'
Protein context (NP_000114.3, residues 782-802): PYIQAPMEAE[Ala792Val]QCAILDLTDQ

ClinVar aggregate classification (germline): Likely pathogenic. Review status: criteria provided, multiple submitters, no conflicts (2 of 4 stars). 3 submissions from 3 submitters: Likely pathogenic (2). 1 of the submissions does not count toward it. Last evaluated 2025-05-12.

Conditions:
Xeroderma pigmentosum, group G (XPG). Also called: XERODERMA PIGMENTOSUM VII; XP, GROUP G; Xeroderma pigmentosum type 7; ERCC5-Related Xeroderma Pigmentosum. Identifiers: MedGen C0268141, MONDO:0010216, OMIM 278780.
Cerebrooculofacioskeletal syndrome 3 (COFS3). Identifiers: MedGen C1851443, MONDO:0014696, OMIM 616570.
Xeroderma pigmentosum (XP). Identifiers: Orphanet 910, MedGen C0043346, MONDO:0019600.

Allele frequency attached by ClinVar (database versions not stated): TOPMed 0.00001; gnomAD 0.00003; ExAC 0.00004.
gnomAD v4.1: 82 of 1,614,046 alleles (0.0051%); highest among the groups gnomAD compares: Non-Finnish European, 0.0066%; no homozygotes.

Submissions (3):

Women's Health and Genetics/Laboratory Corporation of America, LabCorp
Classification: Likely pathogenic for Xeroderma pigmentosum. Last evaluated: 2025-05-12. Review status: criteria provided, single submitter. Criteria: LabCorp Variant Classification Summary - May 2015. Collection method: clinical testing. Allele origin: germline.
Comment: Variant summary: ERCC5 c.2375C>T (p.Ala792Val) results in a non-conservative amino acid change in the encoded protein sequence. Algorithms developed to predict the effect of missense changes on protein structure and function all suggest that this variant is likely to be disruptive. The variant allele was found at a frequency of 2.4e-05 in 251294 control chromosomes (gnomAD). c.2375C>T has been observed in an individual affected with Xeroderma Pigmentosum (Nouspikel_1994). This publication also reports experimental evidence evaluating an impact on protein function, finding that the variant renders transfected cells incapable of correcting a DNA repair defect. The following publication has been ascertained in the context of this evaluation (PMID: 7951246). ClinVar contains an entry for this variant (Variation ID: 16567). Based on the evidence outlined above, the variant was classified as likely pathogenic.

Fulgent Genetics
Classification: Likely pathogenic for Xeroderma pigmentosum, group G; Cerebrooculofacioskeletal syndrome 3. Last evaluated: 2024-06-13. Review status: criteria provided, single submitter. Criteria: ACMG Guidelines, 2015. Collection method: clinical testing. Allele origin: germline.

OMIM
Classification: Pathogenic for XERODERMA PIGMENTOSUM, COMPLEMENTATION GROUP G. Last evaluated: 2007-04-27. Review status: no assertion criteria provided. Collection method: literature only. Allele origin: germline. Not counted in ClinVar's aggregate classification.

Literature cited by the submitters: PubMed 7951246 (cited by Women's Health and Genetics/Laboratory Corporation of America, LabCorp and OMIM); PubMed 17466625 (cited by OMIM).